The following is an entry in ClinVar:

NC_000017.11:g.(?_43045672)_(43047709_?)del

Gene: BRCA1 (BRCA1 DNA repair associated; minus strand). Cytogenetic location: 17q21.31.
Variant type: Deletion.
Identifiers: ClinVar variation 462173 (VCV000462173.1).

ClinVar aggregate classification (germline): Pathogenic (1 of 4 stars; one submission).

Conditions:
Hereditary breast ovarian cancer syndrome. Also called: Hereditary breast and ovarian cancer syndrome (HBOC); Hereditary breast and ovarian cancer syndrome; Breast and ovarian cancer; Hereditary breast and/or ovarian cancer syndrome; Hereditary breast and ovarian cancer; BRCA1- and BRCA2-Associated Hereditary Breast and Ovarian Cancer. Identifiers: Orphanet 145, MedGen C0677776, MeSH D061325, MONDO:0003582. Disease mechanism: loss of function.

Submission:

Labcorp Genetics (formerly Invitae), Labcorp
Classification: Pathogenic for Hereditary breast and ovarian cancer syndrome. Last evaluated: 2018-02-27. Review status: criteria provided, single submitter. Criteria: Invitae Variant Classification Sherloc (09022015). Collection method: clinical testing. Allele origin: germline.
Comment: This variant is a gross deletion of the genomic region encompassing exons 22-23 of the BRCA1 gene. The 5' boundary is likely confined to intron 21. The 3' end of this event is unknown as it extends through the termination codon beyond the assayed region for this gene and may encompass additional genes. While this deletion is not anticipated to result in nonsense mediated decay, it is expected to create a truncated protein product or disrupt mRNA translation. Deletions encompassing exons 22-23, which in the literature are known as deletions of exons 23-24, have been reported in several individuals and families affected with breast and/or ovarian cancer (PMID: 16715518, 16793929, 17333342, 18431737, 24825132). In one of these families the deletion was shown to segregate with the disease in four affected individuals (PMID: 16793929). For these reasons, this variant has been classified as Pathogenic.

Literature cited by the submitters: PubMed 24825132; PubMed 16793929; PubMed 16715518; PubMed 18431737; PubMed 17333342.